The following is an entry in ClinVar:

NM_001323289.2(CDKL5):c.2541G>A (p.Ser847=)

Gene: CDKL5 (cyclin dependent kinase like 5; plus strand). Cytogenetic location: Xp22.13.
Variant type: single nucleotide variant.
Coding change: c.2541G>A on transcript NM_001323289.2 (MANE Select); coding-DNA position 2541, G replaced by A.
Protein change: p.Ser847=; no amino-acid change (serine 847 retained).
Molecular consequence: synonymous variant.
Genome position (GRCh38, 1-based): chrX:18,628,415, G>A. VCF-style: chrX-18628415-G-A. GRCh37 (hg19) VCF-style: chrX-18646535-G-A.
Other names: c.2541G>A, p.Ser847= (NM_001037343.2, NM_003159.3).
Identifiers: ClinVar variation 533392 (VCV000533392.53), dbSNP rs781774964, ClinGen allele CA10360561.

ClinVar aggregate classification (germline): Benign/Likely benign. Review status: criteria provided, multiple submitters, no conflicts (2 of 4 stars). 3 submissions from 3 submitters: Benign (1); Likely benign (2). Last evaluated 2026-01-11.

Conditions:
Angelman syndrome-like. Identifiers: MedGen CN128785.
Developmental and epileptic encephalopathy, 2 (DEE2). Also called: INFANTILE SPASM SYNDROME, X-LINKED 2; CDKL5 deficiency disorder. Identifiers: Orphanet 1934, Orphanet 3451, Orphanet 505652, MedGen C4750718, MONDO:0010396, OMIM 300672.

Allele frequency attached by ClinVar (database versions not stated): gnomAD 0.00001; TOPMed 0.00004; gnomAD exomes 0.00007; ExAC 0.00010.
gnomAD v4.1: 34 of 1,209,654 alleles (0.0028%); highest among the groups gnomAD compares: South Asian, 0.0053%; no homozygotes.

Submissions (6):

Labcorp Genetics (formerly Invitae), Labcorp
Classification: Benign for Developmental and epileptic encephalopathy, 2; Angelman syndrome-like. Last evaluated: 2026-01-11. Review status: criteria provided, single submitter. Criteria: Invitae Variant Classification Sherloc (09022015). Collection method: clinical testing. Allele origin: germline.

CeGaT Center for Human Genetics Tuebingen
Classification: Likely benign. Last evaluated: 2025-12-01. Review status: criteria provided, single submitter. Criteria: CeGaT Center For Human Genetics Tuebingen Variant Classification Criteria Version 2. Collection method: clinical testing. Allele origin: germline. Affected: yes. Observed: 3 variant alleles.
Comment: CDKL5: BP4, BP7, BS2

Blueprint Genetics
Classification: Likely benign. Last evaluated: 2024-10-11. Review status: criteria provided, single submitter. Criteria: ACMG Guidelines, 2015. Collection method: clinical testing. Allele origin: germline.

Dr. Peter K. Rogan Lab, Western University
No classification provided (evidence only). Condition: Thyroid cancer, nonmedullary, 1. Review status: no classification provided. Collection method: in vitro. Allele origin: not applicable. Functional consequence: retained intron. Not counted in ClinVar's aggregate classification.

Dr. Peter K. Rogan Lab, Western University
No classification provided (evidence only). Condition: Hepatocellular carcinoma. Review status: no classification provided. Collection method: in vitro. Allele origin: not applicable. Functional consequence: retained intron. Not counted in ClinVar's aggregate classification.

Dr. Peter K. Rogan Lab, Western University
No classification provided (evidence only). Condition: Nonpapillary renal cell carcinoma. Review status: no classification provided. Collection method: in vitro. Allele origin: not applicable. Functional consequence: retained intron. Not counted in ClinVar's aggregate classification.